The following is an entry in ClinVar:

NM_000264.5(PTCH1):c.4153C>T (p.Pro1385Ser)

Gene: PTCH1 (patched 1; minus strand). Cytogenetic location: 9q22.32.
Variant type: single nucleotide variant.
Coding change: c.4153C>T on transcript NM_000264.5 (MANE Select); coding-DNA position 4153, C replaced by T.
Protein change: p.Pro1385Ser; replaces proline 1385 with serine.
Molecular consequence: missense variant. On other transcripts: non-coding transcript variant (1).
Genome position (GRCh38, 1-based): chr9:95,447,103, G>A on the plus strand (C>T on the coding strand, the complement: PTCH1 is on the minus strand). VCF-style: chr9-95447103-G-A. GRCh37 (hg19) VCF-style: chr9-98209385-G-A.
Other names: c.3700C>T, p.Pro1234Ser (NM_001083605.3, NM_001083606.3, NM_001083607.3 and 1 more transcripts); c.3997C>T, p.Pro1333Ser (NM_001354918.2); c.3955C>T, p.Pro1319Ser (NM_001083602.3); c.4150C>T, p.Pro1384Ser (NM_001083603.3); short protein forms P1384S, P1319S, P1385S, P1234S, P1333S.
Identifiers: ClinVar variation 4146911 (VCV004146911.2).
Genomic context (GRCh38, chr9:95,447,103, plus strand): 5'-CAGTCTCAGGGTAGCCTGGGCAGAGTCCCCCTCGGGGGTTCCGCCCAGGCCCAGGGACAG[G>A]CGGCGGGTGCACGGCGACAGTCACGGAGGCAGAAGCCGTCACAGTGGTGATGGGCTGGCA-3'
Protein context (NP_000255.2, residues 1375-1395): ASVTVAVHPP[Pro1385Ser]VPGPGRNPRG

ClinVar aggregate classification (germline): Uncertain significance. Review status: criteria provided, multiple submitters, no conflicts (2 of 4 stars). 2 submissions from 2 submitters: Uncertain significance (2). Last evaluated 2025-09-12.

Conditions:
Hereditary cancer-predisposing syndrome. Also called: Neoplastic Syndromes, Hereditary; Tumor predisposition; Hereditary Cancer Syndrome; Hereditary neoplastic syndrome. Identifiers: Orphanet 140162, MedGen C0027672, MeSH D009386, MONDO:0015356.
Gorlin syndrome. Also called: Nevoid Basal Cell Carcinoma Syndrome; Basal cell nevus syndrome. Identifiers: Orphanet 377, MedGen C0004779, MONDO:0007187.

Submissions (2):

Ambry Genetics
Classification: Uncertain significance for Hereditary cancer-predisposing syndrome. Last evaluated: 2025-09-12. Review status: criteria provided, single submitter. Criteria: Ambry Variant Classification Scheme 2023. Collection method: clinical testing. Allele origin: germline.
Comment: The p.P1385S variant (also known as c.4153C>T), located in coding exon 23 of the PTCH1 gene, results from a C to T substitution at nucleotide position 4153. The proline at codon 1385 is replaced by serine, an amino acid with similar properties. This amino acid position is well conserved in available vertebrate species. In addition, this alteration is predicted to be tolerated by in silico analysis. Based on the available evidence, the clinical significance of this variant remains unclear.

Labcorp Genetics (formerly Invitae), Labcorp
Classification: Uncertain significance for Gorlin syndrome. Last evaluated: 2025-07-16. Review status: criteria provided, single submitter. Criteria: Invitae Variant Classification Sherloc (09022015). Collection method: clinical testing. Allele origin: germline.
Comment: This sequence change replaces proline, which is neutral and non-polar, with serine, which is neutral and polar, at codon 1385 of the PTCH1 protein (p.Pro1385Ser). This variant is not present in population databases (gnomAD no frequency). This variant has not been reported in the literature in individuals affected with PTCH1-related conditions. Invitae Evidence Modeling of protein sequence and biophysical properties (such as structural, functional, and spatial information, amino acid conservation, physicochemical variation, residue mobility, and thermodynamic stability) indicates that this missense variant is not expected to disrupt PTCH1 protein function with a negative predictive value of 95%. In summary, the available evidence is currently insufficient to determine the role of this variant in disease. Therefore, it has been classified as a Variant of Uncertain Significance.